The following is an entry in ClinVar:

NM_020822.3(KCNT1):c.1438G>A (p.Asp480Asn)

Gene: KCNT1 (potassium sodium-activated channel subfamily T member 1; plus strand). Cytogenetic location: 9q34.3.
Variant type: single nucleotide variant.
Coding change: c.1438G>A on transcript NM_020822.3 (MANE Select); coding-DNA position 1438, G replaced by A.
Protein change: p.Asp480Asn; replaces aspartic acid 480 with asparagine.
Molecular consequence: missense variant.
Genome position (GRCh38, 1-based): chr9:135,768,865, G>A. VCF-style: chr9-135768865-G-A. GRCh37 (hg19) VCF-style: chr9-138660711-G-A.
Other names: c.1303G>A, p.Asp435Asn (NM_001272003.2); short protein forms D435N, D480N.
Identifiers: ClinVar variation 3763454 (VCV003763454.3).

ClinVar aggregate classification (germline): Likely pathogenic. Review status: criteria provided, multiple submitters, no conflicts (2 of 4 stars). 2 submissions from 2 submitters: Likely pathogenic (2). Last evaluated 2024-10-22.

Conditions:
KCNT1-related disorder. Also called: KCNT1-related condition.
Developmental and epileptic encephalopathy, 14 (DEE14). Also called: Early infantile epileptic encephalopathy 14. Identifiers: Orphanet 293181, MedGen C3554195, MONDO:0013989, OMIM 614959.
Autosomal dominant nocturnal frontal lobe epilepsy 5. Also called: Epilepsy, nocturnal frontal lobe, 5; CILIARY DYSKINESIA, PRIMARY, 28, WITHOUT SITUS INVERSUS; CILIARY DYSKINESIA, PRIMARY, 28, WITH SITUS INVERSUS; KCNT1-Related Epilepsy. Identifiers: Orphanet 98784, MedGen C3554306, MONDO:0014002, OMIM 615005.

Submissions (2):

Blueprint Genetics
Classification: Likely pathogenic for KCNT1-related disorders. Last evaluated: 2024-10-22. Review status: criteria provided, single submitter. Criteria: ACMG Guidelines, 2015. Collection method: clinical testing. Allele origin: germline. Affected: yes. Observed: 1 variant allele.

Labcorp Genetics (formerly Invitae), Labcorp
Classification: Likely pathogenic for Autosomal dominant nocturnal frontal lobe epilepsy 5; Developmental and epileptic encephalopathy, 14. Last evaluated: 2024-01-28. Review status: criteria provided, single submitter. Criteria: Invitae Variant Classification Sherloc (09022015). Collection method: clinical testing. Allele origin: germline.
Comment: This sequence change replaces aspartic acid, which is acidic and polar, with asparagine, which is neutral and polar, at codon 480 of the KCNT1 protein (p.Asp480Asn). This variant is not present in population databases (gnomAD no frequency). This missense change has been observed in individual(s) with pediatric epilepsy (PMID: 32167590). In at least one individual the variant was observed to be de novo. Advanced modeling of protein sequence and biophysical properties (such as structural, functional, and spatial information, amino acid conservation, physicochemical variation, residue mobility, and thermodynamic stability) performed at Invitae indicates that this missense variant is expected to disrupt KCNT1 protein function with a positive predictive value of 80%. In summary, the currently available evidence indicates that the variant is pathogenic, but additional data are needed to prove that conclusively. Therefore, this variant has been classified as Likely Pathogenic.

Literature cited by the submitters: PubMed 32167590 (cited by Labcorp Genetics (formerly Invitae), Labcorp).